The following is an entry in ClinVar:

ClinVar aggregate classification (germline): Uncertain significance (1 of 4 stars; one submission).

Conditions:
Breast-ovarian cancer, familial, susceptibility to, 4. Identifiers: Orphanet 145, MedGen C3280345, MONDO:0013669, OMIM 614291.

Allele frequency attached by ClinVar (database versions not stated): gnomAD exomes below 0.00001.
gnomAD v4.1: 3 of 1,566,524 alleles (0.00019%); highest among the groups gnomAD compares: Non-Finnish European, 0.00026%; no homozygotes.

Submission:

Labcorp Genetics (formerly Invitae), Labcorp
Classification: Uncertain significance for Breast-ovarian cancer, familial, susceptibility to, 4. Last evaluated: 2023-06-28. Review status: criteria provided, single submitter. Criteria: Invitae Variant Classification Sherloc (09022015). Collection method: clinical testing. Allele origin: germline.
Comment: In summary, the available evidence is currently insufficient to determine the role of this variant in disease. Therefore, it has been classified as a Variant of Uncertain Significance. Advanced modeling of protein sequence and biophysical properties (such as structural, functional, and spatial information, amino acid conservation, physicochemical variation, residue mobility, and thermodynamic stability) performed at Invitae indicates that this missense variant is expected to disrupt RAD51D protein function. ClinVar contains an entry for this variant (Variation ID: 539850). This variant has not been reported in the literature in individuals affected with RAD51D-related conditions. This variant is not present in population databases (gnomAD no frequency). This sequence change replaces valine, which is neutral and non-polar, with glycine, which is neutral and non-polar, at codon 102 of the RAD51D protein (p.Val102Gly).

NM_002878.4(RAD51D):c.305T>G (p.Val102Gly)

Genes: RAD51D (RAD51 paralog D; minus strand), RAD51L3-RFFL (RAD51L3-RFFL readthrough; minus strand). Cytogenetic location: 17q12.
Variant type: single nucleotide variant.
Coding change: c.305T>G on transcript NM_002878.4 (MANE Select); coding-DNA position 305, T replaced by G.
Protein change: p.Val102Gly; replaces valine 102 with glycine.
Molecular consequence: missense variant. On other transcripts: non-coding transcript variant (2), intron variant (1).
Genome position (GRCh38, 1-based): chr17:35,107,406, A>C on the plus strand (T>G on the coding strand, the complement: RAD51D is on the minus strand). VCF-style: chr17-35107406-A-C. GRCh37 (hg19) VCF-style: chr17-33434425-A-C.
Other names: c.365T>G, p.Val122Gly (NM_001142571.2); c.145-925T>G (NM_133629.3); short protein forms V102G, V122G.
Identifiers: ClinVar variation 539850 (VCV000539850.8), dbSNP rs1555568494, ClinGen allele CA399089953.